The following is an entry in ClinVar:

ClinVar aggregate classification (germline): Pathogenic (1 of 4 stars; one submission).

Conditions:
Episodic ataxia type 2 (EA2). Also called: ACETAZOLAMIDE-RESPONSIVE HEREDITARY PAROXYSMAL CEREBELLAR ATAXIA; EPISODIC ATAXIA, NYSTAGMUS-ASSOCIATED; ATAXIA, EPISODIC, WITH NYSTAGMUS; ATAXIA, FAMILIAL PAROXYSMAL; CEREBELLAR ATAXIA, PAROXYSMAL, ACETAZOLAMIDE-RESPONSIVE; CEREBELLOPATHY, HEREDITARY PAROXYSMAL. Identifiers: Orphanet 97, MedGen C1720416, MONDO:0007163, OMIM 108500.
Developmental and epileptic encephalopathy, 42 (DEE42A). Also called: DEVELOPMENTAL AND EPILEPTIC ENCEPHALOPATHY 42A; EPILEPTIC ENCEPHALOPATHY, EARLY INFANTILE, 42A; Epileptic encephalopathy, early infantile, 42. Identifiers: MedGen C4310716, MONDO:0014917, OMIM 617106.

Submission:

Labcorp Genetics (formerly Invitae), Labcorp
Classification: Pathogenic for Developmental and epileptic encephalopathy, 42; Episodic ataxia type 2. Last evaluated: 2023-10-06. Review status: criteria provided, single submitter. Criteria: Invitae Variant Classification Sherloc (09022015). Collection method: clinical testing. Allele origin: germline.
Comment: This variant is a gross deletion of the genomic region encompassing exon(s) 12-15 of the CACNA1A gene. This deletion is out-of-frame, and is expected to create a premature termination codon and result in an absent or disrupted protein product. Loss-of-function variants in CACNA1A are known to be pathogenic (PMID: 10371528, 19486177, 25735478, 27250579). A similar copy number variant has been observed in individual(s) with CACNA1A-related conditions (PMID: 30167989). For these reasons, this variant has been classified as Pathogenic.

Literature cited by the submitters: PubMed 10371528; PubMed 19486177; PubMed 25735478; PubMed 27250579; PubMed 30167989.

NC_000019.9:g.(?_13418576)_(13423615_?)del

Gene: CACNA1A (calcium voltage-gated channel subunit alpha1 A; minus strand). Cytogenetic location: 19p13.2.
Variant type: Deletion.
Identifiers: ClinVar variation 1457790 (VCV001457790.9).